The following is an entry in ClinVar:

ClinVar aggregate classification (germline): Likely pathogenic (1 of 4 stars; one submission).

Conditions:
Pituitary adenoma 5, multiple types. Identifiers: MedGen C4539685, MONDO:0054601, OMIM 617540.
Usher syndrome type 1D (USH1D). Also called: USHER SYNDROME, TYPE ID. Identifiers: Orphanet 231169, Orphanet 886, MedGen C1832845, MONDO:0010984, OMIM 601067.
Autosomal recessive nonsyndromic hearing loss 12. Also called: DEAFNESS, AUTOSOMAL RECESSIVE 12. Identifiers: Orphanet 90636, MedGen C1832394, MONDO:0011067, OMIM 601386.

Submission:

Juno Genomics, Hangzhou Juno Genomics, Inc
Classification: Likely pathogenic for Pituitary adenoma 5, multiple types; Autosomal recessive nonsyndromic hearing loss 12; Usher syndrome type 1D. Review status: criteria provided, single submitter. Criteria: ACMG Guidelines, 2015. Collection method: clinical testing. Allele origin: germline.
Comment: Null variant in a gene where loss of function (LOF) is a known mechanism of disease.;Absent from controls (or at extremely low frequency if recessive) in Genome Aggregation Database.

NM_022124.6(CDH23):c.1850dup (p.Tyr618fs)

Gene: CDH23 (cadherin related 23; plus strand). Cytogenetic location: 10q22.1.
Variant type: Duplication.
Coding change: c.1850dup on transcript NM_022124.6 (MANE Select); coding-DNA position 1850, one base duplicated (G; older notation c.1850dupG).
Protein change: p.Tyr618fs; shifts the reading frame from tyrosine 618.
Molecular consequence: frameshift variant.
Genome position (GRCh38, 1-based): chr10:71,679,484, G duplicated; the last of 3 consecutive G bases (chr10:71,679,482-71,679,484); duplicating any one gives the same sequence. VCF-style (leftmost placement, unchanged base first): chr10-71679481-A-AG. GRCh37 (hg19) VCF-style: chr10-73439238-A-AG.
Other names: c.1850dup, p.Tyr618fs (NM_001171930.2, NM_001171931.2); short protein forms Y618fs.
Identifiers: ClinVar variation 5007733 (VCV005007733.2).